The following is an entry in ClinVar:

NM_012469.4(PRPF6):c.2786T>A (p.Ile929Asn)

Gene: PRPF6 (pre-mRNA processing factor 6; plus strand). Cytogenetic location: 20q13.33.
Variant type: single nucleotide variant.
Coding change: c.2786T>A on transcript NM_012469.4 (MANE Select); coding-DNA position 2786, T replaced by A.
Protein change: p.Ile929Asn; replaces isoleucine 929 with asparagine.
Molecular consequence: missense variant.
Genome position (GRCh38, 1-based): chr20:64,032,953, T>A. VCF-style: chr20-64032953-T-A. GRCh37 (hg19) VCF-style: chr20-62664306-T-A.
Other names: short protein forms I929N.
Identifiers: ClinVar variation 1442235 (VCV001442235.8), dbSNP rs2059322189, ClinGen allele CA409748356.

ClinVar aggregate classification (germline): Uncertain significance (1 of 4 stars; one submission).

Allele frequency attached by ClinVar (database versions not stated): TOPMed below 0.00001.

Submission:

Labcorp Genetics (formerly Invitae), Labcorp
Classification: Uncertain significance. Last evaluated: 2022-07-19. Review status: criteria provided, single submitter. Criteria: Invitae Variant Classification Sherloc (09022015). Collection method: clinical testing. Allele origin: germline.
Comment: This sequence change replaces isoleucine, which is neutral and non-polar, with asparagine, which is neutral and polar, at codon 929 of the PRPF6 protein (p.Ile929Asn). This variant is not present in population databases (gnomAD no frequency). This variant has not been reported in the literature in individuals affected with PRPF6-related conditions. ClinVar contains an entry for this variant (Variation ID: 1442235). Algorithms developed to predict the effect of missense changes on protein structure and function (SIFT, PolyPhen-2, Align-GVGD) all suggest that this variant is likely to be disruptive. In summary, the available evidence is currently insufficient to determine the role of this variant in disease. Therefore, it has been classified as a Variant of Uncertain Significance.